The following is an entry in ClinVar:

ClinVar aggregate classification (germline): Likely benign. Review status: criteria provided, multiple submitters, no conflicts (2 of 4 stars). 4 submissions from 4 submitters: Likely benign (3). 1 of the submissions does not count toward it. Last evaluated 2026-01-13.

Conditions:
Tuberous sclerosis syndrome (TSC). Also called: Tuberous Sclerosis Complex; Tuberous sclerosis. Identifiers: Orphanet 805, MedGen C0041341, MONDO:0001734.
Tuberous sclerosis 2 (TSC2). Identifiers: Orphanet 805, MedGen C1860707, MONDO:0013199, OMIM 613254.

Allele frequency attached by ClinVar (database versions not stated): gnomAD 0.00001; gnomAD exomes 0.00001; TOPMed 0.00002.
gnomAD v4.1: 38 of 1,613,714 alleles (0.0024%); highest among the groups gnomAD compares: Non-Finnish European, 0.0032%; no homozygotes.

Submissions (4):

Labcorp Genetics (formerly Invitae), Labcorp
Classification: Likely benign for Tuberous sclerosis 2. Last evaluated: 2026-01-13. Review status: criteria provided, single submitter. Criteria: Invitae Variant Classification Sherloc (09022015). Collection method: clinical testing. Allele origin: germline.

Myriad Genetics, Inc.
Classification: Likely benign for Tuberous sclerosis 2. Last evaluated: 2025-05-08. Review status: criteria provided, single submitter. Criteria: Myriad Autosomal Dominant, Autosomal Recessive and X-Linked Classification Criteria (2023). Collection method: clinical testing. Allele origin: unknown.
Comment: This variant is considered likely benign. This variant is intronic and is not expected to impact mRNA splicing.

All of Us Research Program, National Institutes of Health
Classification: Likely benign for Tuberous sclerosis syndrome. Last evaluated: 2023-05-31. Review status: criteria provided, single submitter. Criteria: ACMG Guidelines, 2015. Collection method: clinical testing. Allele origin: germline. Inheritance: Autosomal dominant inheritance. Observed: 2 variant alleles, 2 heterozygotes.
Comment: This study involves interpretation of variants in research participants for the purpose of population health screening. Participant phenotype was not available at the time of variant classification. Additional details can be found in publication PMID: 35346344, PMCID: PMC8962531

Tuberous sclerosis database (TSC2)
No classification provided. Condition: TSC. Review status: no classification provided. Criteria: Tuberous Sclerosis Database Assertion Criteria 2015. Collection method: curation. Allele origin: germline. Affected: yes. Not counted in ClinVar's aggregate classification.

NM_000548.5(TSC2):c.600-13G>C

Gene: TSC2 (TSC complex subunit 2; plus strand). Cytogenetic location: 16p13.3.
Variant type: single nucleotide variant.
Coding change: c.600-13G>C on transcript NM_000548.5 (MANE Select); 13 bases into the intron before coding-DNA position 600, G replaced by C.
Molecular consequence: intron variant.
Genome position (GRCh38, 1-based): chr16:2,056,183, G>C. VCF-style: chr16-2056183-G-C. GRCh37 (hg19) VCF-style: chr16-2106184-G-C.
Other names: c.600-13G>C (NM_001114382.3, NM_021055.3, NM_001370405.1 and 3 more transcripts); c.489-13G>C (NM_001318827.2); c.-1-13G>C (NM_001318831.2); c.453-13G>C (NM_001318829.2); c.633-13G>C (NM_001318832.2).
Identifiers: ClinVar variation 49901 (VCV000049901.8), dbSNP rs45517116, ClinGen allele CA022657.